The following is an entry in ClinVar:

ClinVar aggregate classification (germline): Benign/Likely benign. Review status: criteria provided, multiple submitters, no conflicts (2 of 4 stars). 2 submissions from 2 submitters: Benign (1); Likely benign (1). Last evaluated 2024-04-03.

Conditions:
Hereditary cancer-predisposing syndrome. Also called: Neoplastic Syndromes, Hereditary; Tumor predisposition; Hereditary neoplastic syndrome; Hereditary Cancer Syndrome. Identifiers: Orphanet 140162, MedGen C0027672, MeSH D009386, MONDO:0015356.
Familial adenomatous polyposis 1 (FAP1). Also called: POLYPOSIS, ADENOMATOUS INTESTINAL; FAMILIAL ADENOMATOUS POLYPOSIS 1, ATTENUATED. Identifiers: MedGen C2713442, MONDO:0021056, OMIM 175100. Disease mechanism: loss of function.

gnomAD v4.1: 1 of 1,613,874 alleles (0.000062%); highest among the groups gnomAD compares: Non-Finnish European, 0.000085%; no homozygotes.

Submissions (2):

Myriad Genetics, Inc.
Classification: Benign for Familial adenomatous polyposis 1. Last evaluated: 2024-04-03. Review status: criteria provided, single submitter. Criteria: Myriad Autosomal Dominant, Autosomal Recessive and X-Linked Classification Criteria (2023). Collection method: clinical testing. Allele origin: unknown.
Comment: This variant is considered benign. This variant is a silent/synonymous amino acid change and it is not expected to impact splicing.

Ambry Genetics
Classification: Likely benign for Hereditary cancer-predisposing syndrome. Last evaluated: 2023-09-18. Review status: criteria provided, single submitter. Criteria: Ambry Variant Classification Scheme 2023. Collection method: clinical testing. Allele origin: germline.

NM_000038.6(APC):c.6099C>T (p.Asp2033=)

Gene: APC (APC regulator of Wnt signaling pathway; plus strand). Cytogenetic location: 5q22.2.
Variant type: single nucleotide variant.
Coding change: c.6099C>T on transcript NM_000038.6 (MANE Select); coding-DNA position 6099, C replaced by T.
Protein change: p.Asp2033=; no amino-acid change (aspartic acid 2033 retained).
Molecular consequence: synonymous variant. On other transcripts: non-coding transcript variant (2).
Genome position (GRCh38, 1-based): chr5:112,841,693, C>T. VCF-style: chr5-112841693-C-T. GRCh37 (hg19) VCF-style: chr5-112177390-C-T.
Other names: c.6099C>T, p.Asp2033= (NM_001127510.3, NM_001354895.2, NM_001407450.1); c.6045C>T, p.Asp2015= (NM_001127511.3); c.6153C>T, p.Asp2051= (NM_001354896.2, NM_001407447.1, NM_001407448.1 and 1 more transcripts); c.6129C>T, p.Asp2043= (NM_001354897.2); c.6024C>T, p.Asp2008= (NM_001354898.2); c.6015C>T, p.Asp2005= (NM_001354899.2); c.5976C>T, p.Asp1992= (NM_001354900.2); c.5922C>T, p.Asp1974= (NM_001354901.2, NM_001407453.1); and 11 more.
Identifiers: ClinVar variation 3230836 (VCV003230836.2), dbSNP rs370532497, ClinGen allele CA446209029.
Genomic context (GRCh38, chr5:112,841,693, plus strand): 5'-TGTTGAAGATACCCCAGTTTGTTTCTCAAGAAACAGTTCTCTCAGTTCTCTTAGTATTGA[C>T]TCTGAAGATGACCTGTTGCAGGAATGTATAAGCTCCGCAATGCCAAAAAAGAAAAAGCCT-3'
Protein context (NP_000029.2, residues 2023-2043): RNSSLSSLSI[Asp2033=]SEDDLLQECI